The following is an entry in ClinVar:

ClinVar aggregate classification (germline): Pathogenic (1 of 4 stars; one submission).

Submission:

Labcorp Genetics (formerly Invitae), Labcorp
Classification: Pathogenic. Last evaluated: 2021-11-13. Review status: criteria provided, single submitter. Criteria: Invitae Variant Classification Sherloc (09022015). Collection method: clinical testing. Allele origin: germline.
Comment: A gross deletion of the genomic region encompassing the full coding sequence of the COQ8A gene has been identified. Loss-of-function variants in COQ8A are known to be pathogenic (PMID: 18319074, 20580948). The boundaries of this event are unknown as they extend beyond the assayed region for this gene and therefore may encompass additional genes. This variant has not been reported in the literature in individuals affected with COQ8A-related conditions. For these reasons, this variant has been classified as Pathogenic.

Literature cited by the submitters: PubMed 18319074; PubMed 20580948.

NC_000001.10:g.(?_227149087)_(227174438_?)del

Gene: COQ8A (coenzyme Q8A; plus strand). Cytogenetic location: 1q42.13.
Variant type: Deletion.
Identifiers: ClinVar variation 1460065 (VCV001460065.3).